The following is an entry in ClinVar:

NM_015253.2(WSCD1):c.588C>T (p.Cys196=)

Gene: WSCD1 (WSC domain sialate O sulfotransferase 1; plus strand). Cytogenetic location: 17p13.2.
Variant type: single nucleotide variant.
Coding change: c.588C>T on transcript NM_015253.2 (MANE Select); coding-DNA position 588, C replaced by T.
Protein change: p.Cys196=; no amino-acid change (cysteine 196 retained).
Molecular consequence: synonymous variant.
Genome position (GRCh38, 1-based): chr17:6,090,366, C>T. VCF-style: chr17-6090366-C-T. GRCh37 (hg19) VCF-style: chr17-5993686-C-T.
Other names: c.588C>T, p.Cys196= (NM_001388405.1, NM_001388406.1, NM_001388407.1 and 2 more transcripts); c.84C>T, p.Cys28= (NM_001388408.1, NM_001388409.1).
Identifiers: ClinVar variation 2647308 (VCV002647308.24), dbSNP rs537292547, ClinGen allele CA8327873.
Genomic context (GRCh38, chr17:6,090,366, plus strand): 5'-GCCTCCTCCCTGCAGGTCCTATGTCTACGCCGGCTTGGAGGCCGGGGCGGAGTGTTACTG[C>T]GGGAACCGGCTGCCAGCGGTGAGCGTGGGGCTGGAAGAGTGTAACCATGAGTGCAAAGGC-3'
Protein context (NP_056068.1, residues 186-206): AGLEAGAECY[Cys196=]GNRLPAVSVG

ClinVar aggregate classification (germline): Likely benign (1 of 4 stars; one submission).

Allele frequency attached by ClinVar (database versions not stated): TOPMed 0.00003; gnomAD 0.00009; gnomAD exomes 0.00010; ExAC 0.00012; 1000 Genomes Project 30x 0.00078; 1000 Genomes Project 0.00080.

Submission:

CeGaT Center for Human Genetics Tuebingen
Classification: Likely benign. Last evaluated: 2023-04-01. Review status: criteria provided, single submitter. Criteria: CeGaT Center For Human Genetics Tuebingen Variant Classification Criteria Version 2. Collection method: clinical testing. Allele origin: germline. Affected: yes. Observed: 1 variant allele.
Comment: WSCD1: BP4, BP7